The following is an entry in ClinVar:

ClinVar aggregate classification (germline): Uncertain significance (1 of 4 stars; one submission).

gnomAD v4.1: 3 of 1,614,024 alleles (0.00019%); highest among the groups gnomAD compares: Admixed American, 0.005%; no homozygotes.

Submission:

Labcorp Genetics (formerly Invitae), Labcorp
Classification: Uncertain significance. Last evaluated: 2025-10-28. Review status: criteria provided, single submitter. Criteria: Invitae Variant Classification Sherloc (09022015). Collection method: clinical testing. Allele origin: germline.
Comment: This sequence change replaces leucine, which is neutral and non-polar, with phenylalanine, which is neutral and non-polar, at codon 622 of the GHR protein (p.Leu622Phe). This variant is present in population databases (no rsID available, gnomAD 0.009%). This variant has not been reported in the literature in individuals affected with GHR-related conditions. ClinVar contains an entry for this variant (Variation ID: 3613945). Invitae Evidence Modeling of protein sequence and biophysical properties (such as structural, functional, and spatial information, amino acid conservation, physicochemical variation, residue mobility, and thermodynamic stability) indicates that this missense variant is not expected to disrupt GHR protein function with a negative predictive value of 95%. In summary, the available evidence is currently insufficient to determine the role of this variant in disease. Therefore, it has been classified as a Variant of Uncertain Significance.

NM_000163.5(GHR):c.1864C>T (p.Leu622Phe)

Gene: GHR (growth hormone receptor; plus strand). Cytogenetic location: 5p12.
Variant type: single nucleotide variant.
Coding change: c.1864C>T on transcript NM_000163.5 (MANE Select); coding-DNA position 1864, C replaced by T.
Protein change: p.Leu622Phe; replaces leucine 622 with phenylalanine.
Molecular consequence: missense variant. On other transcripts: 3 prime UTR variant (1).
Genome position (GRCh38, 1-based): chr5:42,719,371, C>T. VCF-style: chr5-42719371-C-T. GRCh37 (hg19) VCF-style: chr5-42719473-C-T.
Other names: c.1885C>T, p.Leu629Phe (NM_001242399.2); c.1864C>T, p.Leu622Phe (NM_001242400.2, NM_001242401.4, NM_001242402.2 and 4 more transcripts); c.1798C>T, p.Leu600Phe (NM_001242460.2); c.*906C>T (NM_001242462.1); short protein forms L600F, L622F, L629F.
Identifiers: ClinVar variation 3613945 (VCV003613945.2).
Genomic context (GRCh38, chr5:42,719,371, plus strand): 5'-CAGTCCCCACAGGGCCTCATACTCAATGCGACTGCCTTGCCCTTGCCTGACAAAGAGTTT[C>T]TCTCATCATGTGGCTATGTGAGCACAGACCAACTGAACAAAATCATGCCTTAGCCTTTCT-3'
Protein context (NP_000154.1, residues 612-632): TALPLPDKEF[Leu622Phe]SSCGYVSTDQ